The following is an entry in ClinVar:

NM_002439.5(MSH3):c.458C>G (p.Thr153Arg)

Gene: MSH3 (mutS homolog 3; plus strand). Cytogenetic location: 5q14.1.
Variant type: single nucleotide variant.
Coding change: c.458C>G on transcript NM_002439.5 (MANE Select); coding-DNA position 458, C replaced by G.
Protein change: p.Thr153Arg; replaces threonine 153 with arginine.
Molecular consequence: missense variant.
Genome position (GRCh38, 1-based): chr5:80,665,242, C>G. VCF-style: chr5-80665242-C-G. GRCh37 (hg19) VCF-style: chr5-79961061-C-G.
Other names: short protein forms T153R.
Identifiers: ClinVar variation 4860359 (VCV004860359.1).

ClinVar aggregate classification (germline): Uncertain significance (1 of 4 stars; one submission).

Conditions:
Hereditary cancer-predisposing syndrome. Also called: Neoplastic Syndromes, Hereditary; Tumor predisposition; Hereditary Cancer Syndrome; Hereditary neoplastic syndrome. Identifiers: Orphanet 140162, MedGen C0027672, MeSH D009386, MONDO:0015356.

gnomAD v4.1: 1 of 1,614,032 alleles (0.000062%); highest among the groups gnomAD compares: South Asian, 0.0011%; no homozygotes.

Submission:

Ambry Genetics
Classification: Uncertain significance for Hereditary cancer-predisposing syndrome. Last evaluated: 2026-06-01. Review status: criteria provided, single submitter. Criteria: Ambry Variant Classification Scheme 2023. Collection method: clinical testing. Allele origin: germline.
Comment: The p.T153R variant (also known as c.458C>G), located in coding exon 3 of the MSH3 gene, results from a C to G substitution at nucleotide position 458. The threonine at codon 153 is replaced by arginine, an amino acid with similar properties. This amino acid position is conserved. In addition, this alteration is predicted to be tolerated by in silico analysis. Based on the available evidence, the clinical significance of this variant remains unclear.